The following is an entry in ClinVar:

NM_031471.6(FERMT3):c.1448C>T (p.Pro483Leu)

Gene: FERMT3 (FERM domain containing kindlin 3; plus strand). Cytogenetic location: 11q13.1.
Variant type: single nucleotide variant.
Coding change: c.1448C>T on transcript NM_031471.6 (MANE Select); coding-DNA position 1448, C replaced by T.
Protein change: p.Pro483Leu; replaces proline 483 with leucine.
Molecular consequence: missense variant.
Genome position (GRCh38, 1-based): chr11:64,220,572, C>T. VCF-style: chr11-64220572-C-T. GRCh37 (hg19) VCF-style: chr11-63988044-C-T.
Other names: c.1448C>T, p.Pro483Leu (NM_001382361.1, NM_001382448.1); c.1460C>T, p.Pro487Leu (NM_001382362.1, NM_178443.3); c.908C>T, p.Pro303Leu (NM_001382363.1); c.920C>T, p.Pro307Leu (NM_001382364.1); short protein forms P487L, P483L, P303L, P307L.
Identifiers: ClinVar variation 843422 (VCV000843422.7), dbSNP rs561391251, ClinGen allele CA6069166.
Genomic context (GRCh38, chr11:64,220,572, plus strand): 5'-CCAGCGAGGTGCAGGCCATCCTGGCCTTCCTCAGCCTGCAGCGCACGGGCAGTGGGGGCC[C>T]GGGCAACCACCCCCACGGCCCTGATGCCTCTGCCGAGGGCCTCAACCCCTACGGCCTCGT-3'
Protein context (NP_113659.3, residues 473-493): LSLQRTGSGG[Pro483Leu]GNHPHGPDAS

ClinVar aggregate classification (germline): Uncertain significance. Review status: criteria provided, multiple submitters, no conflicts (2 of 4 stars). 2 submissions from 2 submitters: Uncertain significance (2). Last evaluated 2023-10-14.

Conditions:
Leukocyte adhesion deficiency 3. Also called: Leukocyte adhesion deficiency, type III; INTEGRIN ACTIVATION DEFICIENCY DISEASE; LEUKOCYTE ADHESION DEFICIENCY 1 VARIANT. Identifiers: Orphanet 2968, Orphanet 99844, MedGen C2748536, MONDO:0013016, OMIM 612840.
Inborn genetic diseases. Identifiers: MedGen C0950123, MeSH D030342.

Allele frequency attached by ClinVar (database versions not stated): gnomAD 0.00001; gnomAD exomes 0.00001 and 0.00007; ExAC 0.00002; TOPMed 0.00002.

Submissions (2):

Ambry Genetics
Classification: Uncertain significance for Inborn genetic diseases. Last evaluated: 2023-10-14. Review status: criteria provided, single submitter. Criteria: Ambry Variant Classification Scheme 2023. Collection method: clinical testing. Allele origin: germline.

Labcorp Genetics (formerly Invitae), Labcorp
Classification: Uncertain significance for Leukocyte adhesion deficiency 3. Last evaluated: 2021-08-27. Review status: criteria provided, single submitter. Criteria: Invitae Variant Classification Sherloc (09022015). Collection method: clinical testing. Allele origin: germline.
Comment: This sequence change replaces proline with leucine at codon 483 of the FERMT3 protein (p.Pro483Leu). The proline residue is weakly conserved and there is a moderate physicochemical difference between proline and leucine. This variant is present in population databases (rs561391251, ExAC 0.03%). This variant has not been reported in the literature in individuals affected with FERMT3-related conditions. Algorithms developed to predict the effect of missense changes on protein structure and function (SIFT, PolyPhen-2, Align-GVGD) all suggest that this variant is likely to be tolerated. In summary, the available evidence is currently insufficient to determine the role of this variant in disease. Therefore, it has been classified as a Variant of Uncertain Significance.